The following is an entry in ClinVar:

NM_001048174.2(MUTYH):c.884T>C (p.Leu295Pro)

Gene: MUTYH (mutY DNA glycosylase; minus strand). Cytogenetic location: 1p34.1.
Variant type: single nucleotide variant.
Coding change: c.884T>C on transcript NM_001048174.2 (MANE Select); coding-DNA position 884, T replaced by C.
Protein change: p.Leu295Pro; replaces leucine 295 with proline.
Molecular consequence: missense variant. On other transcripts: non-coding transcript variant (7).
Genome position (GRCh38, 1-based): chr1:45,332,052, A>G on the plus strand (T>C on the coding strand, the complement: MUTYH is on the minus strand). VCF-style: chr1-45332052-A-G. GRCh37 (hg19) VCF-style: chr1-45797724-A-G.
Other names: c.884T>C, p.Leu295Pro (NM_001048171.2, NM_001048173.2, NM_001407081.1 and 6 more transcripts); c.887T>C, p.Leu296Pro (NM_001048172.2, NM_001407078.1, NM_001407086.1 and 1 more transcripts); c.968T>C, p.Leu323Pro (NM_001128425.2); c.929T>C, p.Leu310Pro (NM_001293190.2); c.917T>C, p.Leu306Pro (NM_001293191.2, NM_001407077.1, NM_001407069.1); c.608T>C, p.Leu203Pro (NM_001293192.2, NM_001407091.1, NM_001293196.2); c.845T>C, p.Leu282Pro (NM_001407079.1); c.842T>C, p.Leu281Pro (NM_001407080.1); and 5 more; short protein forms L323P, L320P, L267P, L281P, L295P, L310P, L180P, L203P.
Identifiers: ClinVar variation 4113967 (VCV004113967.1).
Genomic context (GRCh38, chr1:45,332,052, plus strand): 5'-GGTTGGGGTGGGGGCTAGGTTTGGTGCTCACCACACTCCTCCACGTCAGGACTGCCCGAC[A>G]GGCTCCCTGAGGCTAAGAGCTGTTCCTGCTCCACCTGAGAGGCACAGGGTTGAGTGTCAT-3'
Protein context (NP_001041639.1, residues 285-305): EQEQLLASGS[Leu295Pro]SGSPDVEECA

ClinVar aggregate classification (germline): Uncertain significance (1 of 4 stars; one submission).

Conditions:
Hereditary cancer-predisposing syndrome. Also called: Hereditary neoplastic syndrome; Neoplastic Syndromes, Hereditary; Tumor predisposition; Hereditary Cancer Syndrome. Identifiers: Orphanet 140162, MedGen C0027672, MeSH D009386, MONDO:0015356.

Submission:

Ambry Genetics
Classification: Uncertain significance for Hereditary cancer-predisposing syndrome. Last evaluated: 2025-08-27. Review status: criteria provided, single submitter. Criteria: Ambry Variant Classification Scheme 2023. Collection method: clinical testing. Allele origin: germline.
Comment: The p.L323P variant (also known as c.968T>C), located in coding exon 11 of the MUTYH gene, results from a T to C substitution at nucleotide position 968. The leucine at codon 323 is replaced by proline, an amino acid with similar properties. This amino acid position is conserved. In addition, this alteration is predicted to be tolerated by in silico analysis. Based on the available evidence, the clinical significance of this variant remains unclear.